The following is an entry in ClinVar:

ClinVar aggregate classification (germline): Uncertain significance (1 of 4 stars; one submission).

Conditions:
Atrial conduction disease. Identifiers: Orphanet 436242, MedGen CN221670, MONDO:0014500.

Submission:

Foundation for Research in Genetics and Endocrinology, FRIGE's Institute of Human Genetics
Classification: Uncertain significance for Cardiac conduction disease with or without dilated cardiomyopathy 1. Last evaluated: 2023-10-14. Review status: criteria provided, single submitter. Criteria: ACMG Guidelines, 2015. Collection method: clinical testing. Allele origin: germline. Inheritance: Autosomal dominant inheritance. Affected: yes. Observed: 1 heterozygote.
Comment: The identified heterozygous missense substitution (p.Glu464Asp) lies in exon 14 of the TNNI3K gene and alters a highly conserved residue in the protein. The observed variant c.1392G>T (p.Glu464Asp) has not been reported in the 1000 genomes database. The in silico prediction of the variant is damaging by LRT, FATHMM and MutationTaster. In summary, the variant meets our criteria to be classified as a variant of uncertain significance.

NM_015978.3(TNNI3K):c.1392G>T (p.Glu464Asp)

Genes: FPGT-TNNI3K (FPGT-TNNI3K readthrough; plus strand), TNNI3K (TNNI3 interacting kinase; plus strand). Cytogenetic location: 1p31.1.
Variant type: single nucleotide variant.
Coding change: c.1392G>T on transcript NM_015978.3 (MANE Select); coding-DNA position 1392, G replaced by T.
Protein change: p.Glu464Asp; replaces glutamic acid 464 with aspartic acid.
Molecular consequence: missense variant.
Genome position (GRCh38, 1-based): chr1:74,369,092, G>T. VCF-style: chr1-74369092-G-T. GRCh37 (hg19) VCF-style: chr1-74834776-G-T.
Other names: p.Glu464Asp; c.1695G>T, p.Glu565Asp (NM_001112808.3, NM_001199327.2); short protein forms E464D, E565D.
Identifiers: ClinVar variation 2628075 (VCV002628075.2), dbSNP rs2100519460, ClinGen allele CA340785852.